The following is an entry in ClinVar:

NM_001184880.2(PCDH19):c.529G>C (p.Glu177Gln)

Gene: PCDH19 (protocadherin 19; minus strand). Cytogenetic location: Xq22.1.
Variant type: single nucleotide variant.
Coding change: c.529G>C on transcript NM_001184880.2 (MANE Select); coding-DNA position 529, G replaced by C.
Protein change: p.Glu177Gln; replaces glutamic acid 177 with glutamine.
Molecular consequence: missense variant.
Genome position (GRCh38, 1-based): chrX:100,408,069, C>G on the plus strand (G>C on the coding strand, the complement: PCDH19 is on the minus strand). VCF-style: chrX-100408069-C-G. GRCh37 (hg19) VCF-style: chrX-99663067-C-G.
Other names: c.529G>C, p.Glu177Gln (NM_001105243.2, NM_020766.3); c.529G>C (NM_001184880.1); short protein forms E177Q.
Identifiers: ClinVar variation 2141004 (VCV002141004.5), dbSNP rs1928452736, ClinGen allele CA414009412.

ClinVar aggregate classification (germline): Uncertain significance. Review status: criteria provided, multiple submitters, no conflicts (2 of 4 stars). 2 submissions from 2 submitters: Uncertain significance (2). Last evaluated 2026-07-27.

Conditions:
Developmental and epileptic encephalopathy, 9 (DEE9). Also called: EPILEPSY, FEMALE-RESTRICTED, WITH MENTAL RETARDATION; Early infantile epileptic encephalopathy 9; PCDH19-Related X-Linked Female-Limited Epilepsy with Mental Retardation; JUBERG-HELLMAN SYNDROME. Identifiers: Orphanet 101039, Orphanet 2076, MedGen C1848137, MONDO:0010246, OMIM 300088. Disease mechanism: loss of function.
PCDH19-related disorder. Also called: PCDH19-related condition.

Allele frequency attached by ClinVar (database versions not stated): TOPMed 0.00002.
gnomAD v4.1: 1 of 1,209,797 alleles (0.000083%); no homozygotes.

Submissions (2):

PreventionGenetics, part of Exact Sciences
Classification: Uncertain significance for PCDH19-related condition. Last evaluated: 2026-07-27. Review status: criteria provided, single submitter. Criteria: ACMG Guidelines, 2015. Collection method: clinical testing. Allele origin: germline.
Comment: The PCDH19 c.529G>C variant is predicted to result in the amino acid substitution p.Glu177Gln. To our knowledge, this variant has not been reported in the literature or in a large population database (gnomAD), indicating this variant is rare. At this time, the clinical significance of this variant is uncertain due to the absence of conclusive functional and genetic evidence.

Labcorp Genetics (formerly Invitae), Labcorp
Classification: Uncertain significance for Developmental and epileptic encephalopathy, 9. Last evaluated: 2024-10-15. Review status: criteria provided, single submitter. Criteria: Invitae Variant Classification Sherloc (09022015). Collection method: clinical testing. Allele origin: germline.
Comment: This sequence change replaces glutamic acid, which is acidic and polar, with glutamine, which is neutral and polar, at codon 177 of the PCDH19 protein (p.Glu177Gln). This variant is not present in population databases (gnomAD no frequency). This variant has not been reported in the literature in individuals affected with PCDH19-related conditions. ClinVar contains an entry for this variant (Variation ID: 2141004). Invitae Evidence Modeling of protein sequence and biophysical properties (such as structural, functional, and spatial information, amino acid conservation, physicochemical variation, residue mobility, and thermodynamic stability) has been performed for this missense variant. However, the output from this modeling did not meet the statistical confidence thresholds required to predict the impact of this variant on PCDH19 protein function. In summary, the available evidence is currently insufficient to determine the role of this variant in disease. Therefore, it has been classified as a Variant of Uncertain Significance.